The following is an entry in ClinVar:

NM_170707.4(LMNA):c.408C>A (p.Asp136Glu)

Genes: LMNA (lamin A/C; plus strand), LOC126805877 (MED14-independent group 3 enhancer GRCh37_chr1:156099693-156100892; plus strand). Cytogenetic location: 1q22.
Variant type: single nucleotide variant.
Coding change: c.408C>A on transcript NM_170707.4 (MANE Select); coding-DNA position 408, C replaced by A.
Protein change: p.Asp136Glu; replaces aspartic acid 136 with glutamic acid.
Molecular consequence: missense variant.
Genome position (GRCh38, 1-based): chr1:156,130,668, C>A. VCF-style: chr1-156130668-C-A. GRCh37 (hg19) VCF-style: chr1-156100459-C-A.
Other names: c.72C>A, p.Asp24Glu (NM_001257374.3); c.165C>A, p.Asp55Glu (NM_001282624.2); c.408C>A, p.Asp136Glu (NM_001282625.2, NM_001282626.2, NM_005572.4 and 1 more transcripts); short protein forms D136E, D55E, D24E.
Identifiers: ClinVar variation 245737 (VCV000245737.7), dbSNP rs879253923, ClinGen allele CA10584116.

ClinVar aggregate classification (germline): Conflicting classifications of pathogenicity. Review status: criteria provided, conflicting classifications (1 of 4 stars). 2 submissions from 2 submitters: Likely pathogenic (1); Uncertain significance (1). Last evaluated 2026-03-01.

Submissions (2):

CeGaT Center for Human Genetics Tuebingen
Classification: Likely pathogenic. Last evaluated: 2026-03-01. Review status: criteria provided, single submitter. Criteria: CeGaT Center For Human Genetics Tuebingen Variant Classification Criteria Version 2. Collection method: clinical testing. Allele origin: germline. Affected: yes. Observed: 1 variant allele.
Comment: LMNA: PM2, PP1:Moderate, PM5:Supporting, PS3:Supporting

GeneDx
Classification: Uncertain significance. Last evaluated: 2020-08-31. Review status: criteria provided, single submitter. Criteria: GeneDx Variant Classification Process June 2021. Collection method: clinical testing. Allele origin: germline. Affected: yes.
Comment: Has not been previously published as pathogenic or benign to our knowledge; Not observed in large population cohorts (Lek et al., 2016); In silico analysis supports that this missense variant does not alter protein structure/function